The following is an entry in ClinVar:

ClinVar aggregate classification (germline): Uncertain significance (1 of 4 stars; one submission).

Conditions:
Developmental and epileptic encephalopathy, 18 (DEE18). Also called: Early infantile epileptic encephalopathy 18. Identifiers: Orphanet 369894, MedGen C3809624, MONDO:0014201, OMIM 615476.

Submission:

3billion
Classification: Uncertain significance for Developmental and epileptic encephalopathy, 18. Last evaluated: 2022-01-03. Review status: criteria provided, single submitter. Criteria: ACMG Guidelines, 2015. Collection method: clinical testing. Allele origin: germline. Affected: yes. Observed: 1 homozygote.
Comment: The variant is not observed in the gnomAD v2.1.1 dataset (PM2_M). In silico tool predictions suggest damaging effect of the variant on gene or gene product (3CNET: 0.907, PP3_P). Therefore, this variant is classified as uncertain significance according to the recommendation of ACMG/AMP guideline.

NM_001365999.1(SZT2):c.6623T>G (p.Val2208Gly)

Gene: SZT2 (SZT2 subunit of KICSTOR complex; plus strand). Cytogenetic location: 1p34.2.
Variant type: single nucleotide variant.
Coding change: c.6623T>G on transcript NM_001365999.1 (MANE Select); coding-DNA position 6623, T replaced by G.
Protein change: p.Val2208Gly; replaces valine 2208 with glycine.
Molecular consequence: missense variant.
Genome position (GRCh38, 1-based): chr1:43,438,813, T>G. VCF-style: chr1-43438813-T-G. GRCh37 (hg19) VCF-style: chr1-43904484-T-G.
Other names: c.6452T>G, p.Val2151Gly (NM_015284.4); short protein forms V2151G, V2208G.
Identifiers: ClinVar variation 1333557 (VCV001333557.1), dbSNP rs780228990, ClinGen allele CA340031270.
Genomic context (GRCh38, chr1:43,438,813, plus strand): 5'-CCACGCTGGACGTCATCACAGTTATGCTTGTTCGGAACTGCAAGCTGACACCAGCTGATG[T>G]GGAGGTCAGCTCCCCTCTAGGCACCAGCATCCTTCCCAGACTCAGCCACAGGTTCCAGGA-3'
Protein context (NP_001352928.1, residues 2198-2218): VRNCKLTPAD[Val2208Gly]EFIQPPGSLP